The following is an entry in ClinVar:

ClinVar aggregate classification (germline): Uncertain significance (1 of 4 stars; one submission).

Conditions:
Joubert syndrome. Also called: JOUBERT-BOLTSHAUSER SYNDROME; Familial aplasia of the vermis. Identifiers: Orphanet 475, MedGen C5979921, MONDO:0018772.
Meckel-Gruber syndrome. Also called: DYSENCEPHALIA SPLANCHNOCYSTICA; GRUBER SYNDROME; Dysencephalia splachnocystica. Identifiers: Orphanet 564, MedGen C0265215, MONDO:0018921.

Allele frequency attached by ClinVar (database versions not stated): TOPMed below 0.00001.

Submission:

Labcorp Genetics (formerly Invitae), Labcorp
Classification: Uncertain significance for Joubert syndrome; Meckel-Gruber syndrome. Last evaluated: 2022-10-05. Review status: criteria provided, single submitter. Criteria: Invitae Variant Classification Sherloc (09022015). Collection method: clinical testing. Allele origin: germline.
Comment: This sequence change falls in intron 26 of the CC2D2A gene. It does not directly change the encoded amino acid sequence of the CC2D2A protein. It affects a nucleotide within the consensus splice site. This variant is not present in population databases (gnomAD no frequency). This variant has not been reported in the literature in individuals affected with CC2D2A-related conditions. ClinVar contains an entry for this variant (Variation ID: 1365676). Variants that disrupt the consensus splice site are a relatively common cause of aberrant splicing (PMID: 17576681, 9536098). Algorithms developed to predict the effect of sequence changes on RNA splicing suggest that this variant may create or strengthen a splice site. In summary, the available evidence is currently insufficient to determine the role of this variant in disease. Therefore, it has been classified as a Variant of Uncertain Significance.

Literature cited by the submitters: PubMed 17576681; PubMed 9536098.

NM_001378615.1(CC2D2A):c.3288+5G>A

Genes: CC2D2A (coiled-coil and C2 domain containing 2A; plus strand), FBXL5 (F-box and leucine rich repeat protein 5; minus strand). Cytogenetic location: 4p15.32.
Variant type: single nucleotide variant.
Coding change: c.3288+5G>A on transcript NM_001378615.1 (MANE Select); 5 bases into the intron after coding-DNA position 3288, G replaced by A.
Molecular consequence: intron variant.
Genome position (GRCh38, 1-based): chr4:15,567,487, G>A. VCF-style: chr4-15567487-G-A. GRCh37 (hg19) VCF-style: chr4-15569110-G-A.
Other names: c.3288+5G>A (NM_001080522.2); c.3141+5G>A (NM_001378617.1).
Identifiers: ClinVar variation 1365676 (VCV001365676.3), dbSNP rs1719939393, ClinGen allele CA1440701370.